The following is an entry in ClinVar:

NM_002474.3(MYH11):c.791-10T>G

Gene: MYH11 (myosin heavy chain 11; minus strand). Cytogenetic location: 16p13.11.
Variant type: single nucleotide variant.
Coding change: c.791-10T>G on transcript NM_002474.3 (MANE Select); 10 bases into the intron before coding-DNA position 791, T replaced by G.
Molecular consequence: intron variant.
Genome position (GRCh38, 1-based): chr16:15,776,186, A>C on the plus strand (T>G on the coding strand, the complement: MYH11 is on the minus strand). VCF-style: chr16-15776186-A-C. GRCh37 (hg19) VCF-style: chr16-15870043-A-C.
Other names: c.791-10T>G (NM_022844.3); c.812-10T>G (NM_001040114.2, NM_001040113.2).
Identifiers: ClinVar variation 2165099 (VCV002165099.4), dbSNP rs896206957, ClinGen allele CA278595454.

ClinVar aggregate classification (germline): Uncertain significance (1 of 4 stars; one submission).

Conditions:
Aortic aneurysm, familial thoracic 4 (AAT4). Also called: AORTIC ANEURYSM/AORTIC DISSECTION AND PATENT DUCTUS ARTERIOSUS. Identifiers: MedGen C1851504, MONDO:0007568, OMIM 132900.

Allele frequency attached by ClinVar (database versions not stated): gnomAD exomes below 0.00001; gnomAD 0.00001; TOPMed 0.00001.
gnomAD v4.1: 3 of 1,594,124 alleles (0.00019%); highest among the groups gnomAD compares: African/African-American, 0.0027%; no homozygotes.

Submission:

Labcorp Genetics (formerly Invitae), Labcorp
Classification: Uncertain significance for Aortic aneurysm, familial thoracic 4. Last evaluated: 2022-03-13. Review status: criteria provided, single submitter. Criteria: Invitae Variant Classification Sherloc (09022015). Collection method: clinical testing. Allele origin: germline.
Comment: In summary, the available evidence is currently insufficient to determine the role of this variant in disease. Therefore, it has been classified as a Variant of Uncertain Significance. Algorithms developed to predict the effect of sequence changes on RNA splicing suggest that this variant may disrupt the consensus splice site. This variant has not been reported in the literature in individuals affected with MYH11-related conditions. This variant is not present in population databases (gnomAD no frequency). This sequence change falls in intron 8 of the MYH11 gene. It does not directly change the encoded amino acid sequence of the MYH11 protein.